The following is an entry in ClinVar:

ClinVar aggregate classification (germline): Likely benign. Review status: criteria provided, multiple submitters, no conflicts (2 of 4 stars). 4 submissions from 4 submitters: Likely benign (3). 1 of the submissions does not count toward it. Last evaluated 2025-10-22.

Conditions:
Cardiovascular phenotype. Identifiers: MedGen CN230736.
TNXB-related disorder. Also called: TNXB-related condition.

Allele frequency attached by ClinVar (database versions not stated): gnomAD exomes 0.00004; ExAC 0.00016.
gnomAD v4.1: 73 of 1,587,568 alleles (0.0046%); highest among the groups gnomAD compares: Non-Finnish European, 0.0058%; no homozygotes.

Submissions (4):

Mayo Clinic Laboratories, Mayo Clinic
Classification: Likely benign. Last evaluated: 2025-10-22. Review status: criteria provided, single submitter. Criteria: ACMG Guidelines, 2015. Collection method: clinical testing. Allele origin: germline. Observed: 2 variant alleles.
Comment: BP4, BP7

CeGaT Center for Human Genetics Tuebingen
Classification: Likely benign. Last evaluated: 2023-08-01. Review status: criteria provided, single submitter. Criteria: CeGaT Center For Human Genetics Tuebingen Variant Classification Criteria Version 2. Collection method: clinical testing. Allele origin: germline. Affected: yes. Observed: 3 variant alleles.
Comment: TNXB: BP4, BP7

Ambry Genetics
Classification: Likely benign for Cardiovascular phenotype. Last evaluated: 2020-08-07. Review status: criteria provided, single submitter. Criteria: Ambry Variant Classification Scheme 2023. Collection method: clinical testing. Allele origin: germline.

PreventionGenetics, part of Exact Sciences
Classification: Likely benign for TNXB-related condition. Last evaluated: 2021-12-01. Review status: no assertion criteria provided. Collection method: clinical testing. Allele origin: germline. Not counted in ClinVar's aggregate classification.
Comment: This variant is classified as likely benign based on ACMG/AMP sequence variant interpretation guidelines (Richards et al. 2015 PMID: 25741868, with internal and published modifications).

NM_001365276.2(TNXB):c.1050G>T (p.Gly350=)

Gene: TNXB (tenascin XB; minus strand). Cytogenetic location: 6p21.33.
Variant type: single nucleotide variant.
Coding change: c.1050G>T on transcript NM_001365276.2 (MANE Select); coding-DNA position 1050, G replaced by T.
Protein change: p.Gly350=; no amino-acid change (glycine 350 retained).
Molecular consequence: synonymous variant.
Genome position (GRCh38, 1-based): chr6:32,096,803, C>A on the plus strand (G>T on the coding strand, the complement: TNXB is on the minus strand). VCF-style: chr6-32096803-C-A. GRCh37 (hg19) VCF-style: chr6-32064580-C-A.
Other names: p.Gly350=; c.1050G>T, p.Gly350= (NM_019105.8).
Identifiers: ClinVar variation 871714 (VCV000871714.45), dbSNP rs769587693, ClinGen allele CA3735740.